The following is an entry in ClinVar:

NM_000038.6(APC):c.7688C>T (p.Thr2563Ile)

Gene: APC (APC regulator of Wnt signaling pathway; plus strand). Cytogenetic location: 5q22.2.
Variant type: single nucleotide variant.
Coding change: c.7688C>T on transcript NM_000038.6 (MANE Select); coding-DNA position 7688, C replaced by T.
Protein change: p.Thr2563Ile; replaces threonine 2563 with isoleucine.
Molecular consequence: missense variant. On other transcripts: non-coding transcript variant (2).
Genome position (GRCh38, 1-based): chr5:112,843,282, C>T. VCF-style: chr5-112843282-C-T. GRCh37 (hg19) VCF-style: chr5-112178979-C-T.
Other names: c.7688C>T, p.Thr2563Ile (NM_001127510.3, NM_001354895.2, NM_001407450.1); c.7634C>T, p.Thr2545Ile (NM_001127511.3); c.7742C>T, p.Thr2581Ile (NM_001354896.2, NM_001407447.1, NM_001407448.1 and 1 more transcripts); c.7718C>T, p.Thr2573Ile (NM_001354897.2); c.7613C>T, p.Thr2538Ile (NM_001354898.2); c.7604C>T, p.Thr2535Ile (NM_001354899.2); c.7565C>T, p.Thr2522Ile (NM_001354900.2); c.7511C>T, p.Thr2504Ile (NM_001354901.2, NM_001407453.1); and 11 more; short protein forms T2545I, T2553I, T2556I, T2591I, T2434I, T2280I, T2437I, T2462I.
Identifiers: ClinVar variation 2773655 (VCV002773655.2), dbSNP rs2533812668, ClinGen allele CA16038030.

ClinVar aggregate classification (germline): Uncertain significance (1 of 4 stars; one submission).

Conditions:
Hereditary cancer-predisposing syndrome. Also called: Hereditary neoplastic syndrome; Hereditary Cancer Syndrome; Neoplastic Syndromes, Hereditary; Tumor predisposition. Identifiers: Orphanet 140162, MedGen C0027672, MeSH D009386, MONDO:0015356.

Submission:

Color Diagnostics, LLC DBA Color Health
Classification: Uncertain significance for Hereditary cancer-predisposing syndrome. Last evaluated: 2024-03-06. Review status: criteria provided, single submitter. Criteria: ACMG Guidelines, 2015. Collection method: clinical testing. Allele origin: germline.
Comment: This missense variant replaces threonine with isoleucine at codon 2563 of the APC protein. Computational prediction suggests that this variant may not impact protein structure and function (internally defined REVEL score threshold <= 0.5, PMID: 27666373). To our knowledge, functional studies have not been reported for this variant. This variant has not been reported in individuals affected with hereditary cancer in the literature. This variant has not been identified in the general population by the Genome Aggregation Database (gnomAD). The available evidence is insufficient to determine the role of this variant in disease conclusively. Therefore, this variant is classified as a Variant of Uncertain Significance.